The following is an entry in ClinVar:

ClinVar aggregate classification (germline): Uncertain significance (1 of 4 stars; one submission).

Conditions:
Rhabdoid tumor predisposition syndrome 2 (RTPS2). Identifiers: Orphanet 231108, Orphanet 69077, MedGen C2750074, MONDO:0013224, OMIM 613325.

Submission:

Labcorp Genetics (formerly Invitae), Labcorp
Classification: Uncertain significance for Rhabdoid tumor predisposition syndrome 2. Last evaluated: 2024-02-07. Review status: criteria provided, single submitter. Criteria: Invitae Variant Classification Sherloc (09022015). Collection method: clinical testing. Allele origin: germline.
Comment: This sequence change falls in intron 18 of the SMARCA4 gene. It does not directly change the encoded amino acid sequence of the SMARCA4 protein. It affects a nucleotide within the consensus splice site. This variant is not present in population databases (gnomAD no frequency). This variant has not been reported in the literature in individuals affected with SMARCA4-related conditions. Variants that disrupt the consensus splice site are a relatively common cause of aberrant splicing (PMID: 17576681, 9536098). Algorithms developed to predict the effect of sequence changes on RNA splicing suggest that this variant may disrupt the consensus splice site. In summary, the available evidence is currently insufficient to determine the role of this variant in disease. Therefore, it has been classified as a Variant of Uncertain Significance.

Literature cited by the submitters: PubMed 17576681; PubMed 9536098.

NM_003072.5(SMARCA4):c.2616+3A>C

Gene: SMARCA4 (SWI/SNF related BAF chromatin remodeling complex subunit ATPase 4; plus strand). Cytogenetic location: 19p13.2.
Variant type: single nucleotide variant.
Coding change: c.2616+3A>C on transcript NM_003072.5 (MANE Select); 3 bases into the intron after coding-DNA position 2616, A replaced by C.
Molecular consequence: intron variant.
Genome position (GRCh38, 1-based): chr19:11,019,704, A>C. VCF-style: chr19-11019704-A-C. GRCh37 (hg19) VCF-style: chr19-11130380-A-C.
Other names: c.2616+3A>C (NM_001128844.3, NM_001128849.3, NM_001128847.4 and 6 more transcripts).
Identifiers: ClinVar variation 3639400 (VCV003639400.2).
Genomic context (GRCh38, chr19:11,019,704, plus strand): 5'-CAACGTCTTGCTGACGACGTACGAGTACATCATCAAAGACAAGCACATCCTCGCCAAGGT[A>C]ACGTGTCCCTGTGGGAAATGCCAGGCCATGGGCCGAGTGCTCACACGTGGGTCACGCTGC-3'